The following is an entry in ClinVar:

ClinVar aggregate classification (germline): Uncertain significance. Review status: criteria provided, multiple submitters, no conflicts (2 of 4 stars). 3 submissions from 3 submitters: Uncertain significance (3). Last evaluated 2025-02-26.

Conditions:
Hereditary cancer-predisposing syndrome. Also called: Hereditary Cancer Syndrome; Tumor predisposition; Neoplastic Syndromes, Hereditary; Hereditary neoplastic syndrome. Identifiers: Orphanet 140162, MedGen C0027672, MeSH D009386, MONDO:0015356.

Allele frequency attached by ClinVar (database versions not stated): TOPMed 0.00001.
gnomAD v4.1: 2 of 1,613,194 alleles (0.00012%); highest among the groups gnomAD compares: Non-Finnish European, 0.00017%; no homozygotes.

Submissions (3):

Ambry Genetics
Classification: Uncertain significance for Hereditary cancer-predisposing syndrome. Last evaluated: 2025-02-26. Review status: criteria provided, single submitter. Criteria: Ambry Variant Classification Scheme 2023. Collection method: clinical testing. Allele origin: germline.
Comment: The p.A841T variant (also known as c.2521G>A), located in coding exon 18 of the MSH3 gene, results from a G to A substitution at nucleotide position 2521. The alanine at codon 841 is replaced by threonine, an amino acid with similar properties. This amino acid position is highly conserved in available vertebrate species. In addition, this alteration is predicted to be deleterious by in silico analysis. Since supporting evidence is limited at this time, the clinical significance of this alteration remains unclear.

Labcorp Genetics (formerly Invitae), Labcorp
Classification: Uncertain significance. Last evaluated: 2025-02-26. Review status: criteria provided, single submitter. Criteria: Invitae Variant Classification Sherloc (09022015). Collection method: clinical testing. Allele origin: germline.
Comment: This sequence change replaces alanine, which is neutral and non-polar, with threonine, which is neutral and polar, at codon 841 of the MSH3 protein (p.Ala841Thr). This variant is present in population databases (no rsID available, gnomAD 0.007%). This variant has not been reported in the literature in individuals affected with MSH3-related conditions. ClinVar contains an entry for this variant (Variation ID: 936381). An algorithm developed to predict the effect of missense changes on protein structure and function outputs the following: PolyPhen-2: "Possibly Damaging". The threonine amino acid residue is found in multiple mammalian species, which suggests that this missense change does not adversely affect protein function. In summary, the available evidence is currently insufficient to determine the role of this variant in disease. Therefore, it has been classified as a Variant of Uncertain Significance.

GeneDx
Classification: Uncertain significance. Last evaluated: 2024-06-17. Review status: criteria provided, single submitter. Criteria: GeneDx Variant Classification Process June 2021. Collection method: clinical testing. Allele origin: germline.
Comment: Not observed at significant frequency in large population cohorts (gnomAD); In silico analysis supports that this missense variant has a deleterious effect on protein structure/function; Has not been previously published as pathogenic or benign to our knowledge

NM_002439.5(MSH3):c.2521G>A (p.Ala841Thr)

Gene: MSH3 (mutS homolog 3; plus strand). Cytogenetic location: 5q14.1.
Variant type: single nucleotide variant.
Coding change: c.2521G>A on transcript NM_002439.5 (MANE Select); coding-DNA position 2521, G replaced by A.
Protein change: p.Ala841Thr; replaces alanine 841 with threonine.
Molecular consequence: missense variant.
Genome position (GRCh38, 1-based): chr5:80,787,650, G>A. VCF-style: chr5-80787650-G-A. GRCh37 (hg19) VCF-style: chr5-80083469-G-A.
Other names: short protein forms A841T.
Identifiers: ClinVar variation 936381 (VCV000936381.12), dbSNP rs963584392, ClinGen allele CA360283396.
Genomic context (GRCh38, chr5:80,787,650, plus strand): 5'-TTGTGTAAAGCAGTGCATCACCTAGCAACTGTTGACTGCATTTTCTCCCTGGCCAAGGTC[G>A]CTAAGCAAGGAGATTACTGCAGGTAAGATATTTTTCATTTTCCTCTTTATCAGTGCTTTA-3'
Protein context (NP_002430.3, residues 831-851): VDCIFSLAKV[Ala841Thr]KQGDYCRPTV